The following is an entry in ClinVar:

NM_198576.4(AGRN):c.2508C>T (p.Ile836=)

Gene: AGRN (agrin; plus strand). Cytogenetic location: 1p36.33.
Variant type: single nucleotide variant.
Coding change: c.2508C>T on transcript NM_198576.4 (MANE Select); coding-DNA position 2508, C replaced by T.
Protein change: p.Ile836=; no amino-acid change (isoleucine 836 retained).
Molecular consequence: synonymous variant.
Genome position (GRCh38, 1-based): chr1:1,045,495, C>T. VCF-style: chr1-1045495-C-T. GRCh37 (hg19) VCF-style: chr1-980875-C-T.
Other names: c.2508C>T, p.Ile836= (NM_001305275.2); c.2193C>T, p.Ile731= (NM_001364727.2).
Identifiers: ClinVar variation 474105 (VCV000474105.21), dbSNP rs148864199, ClinGen allele CA508652.

ClinVar aggregate classification (germline): Benign/Likely benign. Review status: criteria provided, multiple submitters, no conflicts (2 of 4 stars). 4 submissions from 4 submitters: Benign (2); Likely benign (2). Last evaluated 2026-01-11.

Conditions:
Congenital myasthenic syndrome 8. Also called: Myasthenic syndrome, congenital, 8, with pre- and postsynaptic defects; MYASTHENIC SYNDROME, CONGENITAL, DUE TO AGRIN DEFICIENCY. Identifiers: Orphanet 590, MedGen C3808739, MONDO:0014052, OMIM 615120.

Allele frequency attached by ClinVar (database versions not stated): gnomAD exomes 0.00011; ExAC 0.00034; gnomAD 0.00094 and 0.00102; 1000 Genomes Project 0.00100; ESP Exome Variant Server 0.00108; 1000 Genomes Project 30x 0.00109; TOPMed 0.00112.
gnomAD v4.1: 321 of 1,612,988 alleles (0.02%); highest among the groups gnomAD compares: African/African-American, 0.32%; no homozygotes.

Submissions (4):

Labcorp Genetics (formerly Invitae), Labcorp
Classification: Benign for Congenital myasthenic syndrome 8. Last evaluated: 2026-01-11. Review status: criteria provided, single submitter. Criteria: Invitae Variant Classification Sherloc (09022015). Collection method: clinical testing. Allele origin: germline.

CeGaT Center for Human Genetics Tuebingen
Classification: Likely benign. Last evaluated: 2025-11-01. Review status: criteria provided, single submitter. Criteria: CeGaT Center For Human Genetics Tuebingen Variant Classification Criteria Version 2. Collection method: clinical testing. Allele origin: germline. Affected: yes. Observed: 1 variant allele.
Comment: AGRN: BP4, BP7

GeneDx
Classification: Likely benign. Last evaluated: 2021-03-18. Review status: criteria provided, single submitter. Criteria: GeneDx Variant Classification Process June 2021. Collection method: clinical testing. Allele origin: germline. Affected: yes.
Comment: See Variant Classification Assertion Criteria.

Breakthrough Genomics
Classification: Benign. Review status: criteria provided, single submitter. Criteria: ACMG Guidelines, 2015. Collection method: not provided. Allele origin: germline. Inheritance: Autosomal recessive inheritance. Affected: yes.